The following is an entry in ClinVar:

ClinVar aggregate classification (germline): Uncertain significance (1 of 4 stars; one submission).

Submission:

GeneDx
Classification: Uncertain significance. Last evaluated: 2025-06-05. Review status: criteria provided, single submitter. Criteria: GeneDx Variant Classification Process June 2021. Collection method: clinical testing. Allele origin: germline. Affected: yes.
Comment: Not observed at significant frequency in large population cohorts (gnomAD); In silico analysis supports that this missense variant has a deleterious effect on protein structure/function; Has not been previously published as pathogenic or benign to our knowledge; Also known as p.(N1713H)

NM_000384.3(APOB):c.5218A>C (p.Asn1740His)

Gene: APOB (apolipoprotein B; minus strand). Cytogenetic location: 2p24.1.
Variant type: single nucleotide variant.
Coding change: c.5218A>C on transcript NM_000384.3 (MANE Select); coding-DNA position 5218, A replaced by C.
Protein change: p.Asn1740His; replaces asparagine 1740 with histidine.
Molecular consequence: missense variant.
Genome position (GRCh38, 1-based): chr2:21,011,650, T>G on the plus strand (A>C on the coding strand, the complement: APOB is on the minus strand). VCF-style: chr2-21011650-T-G. GRCh37 (hg19) VCF-style: chr2-21234522-T-G.
Other names: short protein forms N1740H.
Identifiers: ClinVar variation 4536478 (VCV004536478.1).